The following is an entry in ClinVar:

NM_001144952.2(SDK2):c.4200G>A (p.Pro1400=)

Gene: SDK2 (sidekick cell adhesion molecule 2; minus strand). Cytogenetic location: 17q25.1.
Variant type: single nucleotide variant.
Coding change: c.4200G>A on transcript NM_001144952.2 (MANE Select); coding-DNA position 4200, G replaced by A.
Protein change: p.Pro1400=; no amino-acid change (proline 1400 retained).
Molecular consequence: synonymous variant.
Genome position (GRCh38, 1-based): chr17:73,388,030, C>T on the plus strand (G>A on the coding strand, the complement: SDK2 is on the minus strand). VCF-style: chr17-73388030-C-T. GRCh37 (hg19) VCF-style: chr17-71384169-C-T.
Identifiers: ClinVar variation 3057069 (VCV003057069.2), dbSNP rs139527427, ClinGen allele CA8742850.
Genomic context (GRCh38, chr17:73,388,030, plus strand): 5'-CAGCAGCACGCTGCGTGCTCTCACATCCTCCTGCTGCACCATCGGCCTGCTGGGGGGCTG[C>T]GGACGGTCTGGGAGGTGGCAGAGGGGGAGGAGCAGGTGAGTGGGCCAGGCCATGGTGGAG-3'
Protein context (NP_001138424.1, residues 1390-1410): LVVTTEKRDR[Pro1400=]QPPSRPMVQQ

ClinVar aggregate classification (germline): Benign (0 of 4 stars; one submission).

Conditions:
SDK2-related disorder. Also called: SDK2-related condition.

Allele frequency attached by ClinVar (database versions not stated): 1000 Genomes Project 30x 0.00250; 1000 Genomes Project 0.00280; TOPMed 0.00736; ESP Exome Variant Server 0.00796; gnomAD 0.00914; ExAC 0.01482.
gnomAD v4.1: 20,115 of 1,564,948 alleles (1.3%); highest among the groups gnomAD compares: Non-Finnish European, 1.5%; 152 homozygotes.

Submission:

PreventionGenetics, part of Exact Sciences
Classification: Benign for SDK2-related condition. Last evaluated: 2019-09-05. Review status: no assertion criteria provided. Collection method: clinical testing. Allele origin: germline.
Comment: This variant is classified as benign based on ACMG/AMP sequence variant interpretation guidelines (Richards et al. 2015 PMID: 25741868, with internal and published modifications).